The following is an entry in ClinVar:

ClinVar aggregate classification (germline): Benign/Likely benign. Review status: criteria provided, multiple submitters, no conflicts (2 of 4 stars). 3 submissions from 3 submitters: Benign (1); Likely benign (2). Last evaluated 2018-06-29.

Conditions:
Hereditary spastic paraplegia 31. Also called: SPASTIC PARAPLEGIA 31, AUTOSOMAL DOMINANT. Identifiers: Orphanet 101011, MedGen C1853247, MONDO:0012453, OMIM 610250.

Allele frequency attached by ClinVar (database versions not stated): gnomAD exomes 0.01765; gnomAD 0.03472; TOPMed 0.03977; 1000 Genomes Project 30x 0.05247; 1000 Genomes Project 0.05611.
gnomAD v4.1: 4,786 of 152,410 alleles (3.1%); highest among the groups gnomAD compares: East Asian, 22%; 195 homozygotes.

Submissions (3):

GeneDx
Classification: Likely benign. Last evaluated: 2018-06-29. Review status: criteria provided, single submitter. Criteria: GeneDx Variant Classification Process June 2021. Collection method: clinical testing. Allele origin: germline. Affected: yes.

Illumina Laboratory Services, Illumina
Classification: Benign for Hereditary spastic paraplegia 31. Last evaluated: 2017-04-27. Review status: criteria provided, single submitter. Criteria: ICSL Variant Classification Criteria 13 December 2019. Collection method: clinical testing. Allele origin: germline.
Comment: This variant was observed as part of a predisposition screen in an ostensibly healthy population. A literature search was performed for the gene, cDNA change, and amino acid change (where applicable). No publications were found based on this search. Allele frequency data from public databases was too high to be consistent with this variant causing disease. Therefore, this variant is classified as benign.

Breakthrough Genomics
Classification: Likely benign. Review status: criteria provided, single submitter. Criteria: ACMG Guidelines, 2015. Collection method: not provided. Allele origin: germline. Inheritance: Autosomal recessive inheritance. Affected: yes.

NM_001371279.1(REEP1):c.*630G>A

Gene: REEP1 (receptor accessory protein 1; minus strand). Cytogenetic location: 2p11.2.
Variant type: single nucleotide variant.
Coding change: c.*630G>A on transcript NM_001371279.1 (MANE Select); 630 bases downstream of the stop codon, G replaced by A.
Molecular consequence: 3 prime UTR variant.
Genome position (GRCh38, 1-based): chr2:86,216,409, C>T on the plus strand (G>A on the coding strand, the complement: REEP1 is on the minus strand). VCF-style: chr2-86216409-C-T. GRCh37 (hg19) VCF-style: chr2-86443532-C-T.
Other names: c.*691G>A (NM_001164730.2, NM_001164731.2, NM_022912.3); c.*630G>A (NM_001164732.2, NM_001371280.1).
Identifiers: ClinVar variation 337382 (VCV000337382.9), dbSNP rs60838463, ClinGen allele CA10616414.